The following is an entry in ClinVar:

ClinVar aggregate classification (germline): Uncertain significance (1 of 4 stars; one submission).

gnomAD v4.1: 6 of 1,534,622 alleles (0.00039%); highest among the groups gnomAD compares: African/African-American, 0.0041%; no homozygotes.

Submission:

Women's Health and Genetics/Laboratory Corporation of America, LabCorp
Classification: Uncertain significance. Last evaluated: 2024-06-27. Review status: criteria provided, single submitter. Criteria: LabCorp Variant Classification Summary - May 2015. Collection method: clinical testing. Allele origin: germline.
Comment: Variant summary: KIF26A c.4717A>T (p.Ser1573Cys) results in a non-conservative amino acid change in the encoded protein sequence. Three of five in-silico tools predict a damaging effect of the variant on protein function. The variant was absent in 129426 control chromosomes (gnomAD). The available data on variant occurrences in the general population are insufficient to allow any conclusion about variant significance. To our knowledge, no occurrence of c.4717A>T in individuals affected with Cortical Dysplasia, Complex, With Other Brain Malformations 11 and no experimental evidence demonstrating its impact on protein function have been reported. No submitters have cited clinical-significance assessments for this variant to ClinVar. Based on the evidence outlined above, the variant was classified as uncertain significance.

NM_015656.2(KIF26A):c.4717A>T (p.Ser1573Cys)

Gene: KIF26A (kinesin family member 26A; plus strand). Cytogenetic location: 14q32.33.
Variant type: single nucleotide variant.
Coding change: c.4717A>T on transcript NM_015656.2 (MANE Select); coding-DNA position 4717, A replaced by T.
Protein change: p.Ser1573Cys; replaces serine 1573 with cysteine.
Molecular consequence: missense variant.
Genome position (GRCh38, 1-based): chr14:104,177,505, A>T. VCF-style: chr14-104177505-A-T. GRCh37 (hg19) VCF-style: chr14-104643842-A-T.
Other names: short protein forms S1573C.
Identifiers: ClinVar variation 3340014 (VCV003340014.1).